The following is an entry in ClinVar:

ClinVar aggregate classification (germline): Uncertain significance (1 of 4 stars; one submission).

Conditions:
Mucopolysaccharidosis, MPS-III-A (MPS3A). Also called: HEPARAN SULFATE SULFATASE DEFICIENCY; SANFILIPPO SYNDROME A; SULFAMIDASE DEFICIENCY; MPS III A; Mucopolysaccharidosis, type IIIA; MUCOPOLYSACCHARIDOSIS, TYPE IIIA, ATTENUATED. Identifiers: Orphanet 581, Orphanet 79269, MedGen C0086647, MONDO:0009655, OMIM 252900.

Allele frequency attached by ClinVar (database versions not stated): gnomAD exomes below 0.00001; ExAC 0.00001; gnomAD 0.00001; 1000 Genomes Project 0.00020; 1000 Genomes Project 30x 0.00031.
gnomAD v4.1: 5 of 1,606,896 alleles (0.00031%); highest among the groups gnomAD compares: East Asian, 0.011%; no homozygotes.

Submission:

Labcorp Genetics (formerly Invitae), Labcorp
Classification: Uncertain significance for Mucopolysaccharidosis, MPS-III-A. Last evaluated: 2022-03-29. Review status: criteria provided, single submitter. Criteria: Invitae Variant Classification Sherloc (09022015). Collection method: clinical testing. Allele origin: germline.
Comment: This sequence change replaces glycine, which is neutral and non-polar, with arginine, which is basic and polar, at codon 251 of the SGSH protein (p.Gly251Arg). This variant is present in population databases (rs528633031, gnomAD 0.02%). This variant has not been reported in the literature in individuals affected with SGSH-related conditions. Advanced modeling of protein sequence and biophysical properties (such as structural, functional, and spatial information, amino acid conservation, physicochemical variation, residue mobility, and thermodynamic stability) performed at Invitae indicates that this missense variant is expected to disrupt SGSH protein function. In summary, the available evidence is currently insufficient to determine the role of this variant in disease. Therefore, it has been classified as a Variant of Uncertain Significance.

NM_000199.5(SGSH):c.751G>A (p.Gly251Arg)

Gene: SGSH (N-sulfoglucosamine sulfohydrolase; minus strand). Cytogenetic location: 17q25.3.
Variant type: single nucleotide variant.
Coding change: c.751G>A on transcript NM_000199.5 (MANE Select); coding-DNA position 751, G replaced by A.
Protein change: p.Gly251Arg; replaces glycine 251 with arginine.
Molecular consequence: missense variant. On other transcripts: non-coding transcript variant (1).
Genome position (GRCh38, 1-based): chr17:80,212,269, C>T on the plus strand (G>A on the coding strand, the complement: SGSH is on the minus strand). VCF-style: chr17-80212269-C-T. GRCh37 (hg19) VCF-style: chr17-78186068-C-T.
Other names: c.751G>A, p.Gly251Arg (NM_001352921.3, NM_001352922.2); short protein forms G251R.
Identifiers: ClinVar variation 2149716 (VCV002149716.1), dbSNP rs528633031, ClinGen allele CA8817785.